The following is an entry in ClinVar:

ClinVar aggregate classification (germline): Likely benign. Review status: criteria provided, multiple submitters, no conflicts (2 of 4 stars). 3 submissions from 3 submitters: Likely benign (2). 1 of the submissions does not count toward it. Last evaluated 2025-12-22.

Conditions:
Multiple gastrointestinal atresias. Also called: Multiple intestinal atresia; FAMILIAL INTESTINAL POLYATRESIA SYNDROME. Identifiers: Orphanet 2300, MedGen C0220744, MONDO:0009465.
Inborn genetic diseases. Identifiers: MedGen C0950123, MeSH D030342.
TTC7A-related disorder. Also called: TTC7A-related condition.

Allele frequency attached by ClinVar (database versions not stated): ExAC 0.00009; gnomAD exomes 0.00010 and 0.00004; 1000 Genomes Project 0.00020; 1000 Genomes Project 30x 0.00031; gnomAD 0.00033 and 0.00040; ESP Exome Variant Server 0.00038; TOPMed 0.00038.
gnomAD v4.1: 104 of 1,613,964 alleles (0.0064%); highest among the groups gnomAD compares: African/African-American, 0.13%; no homozygotes.

Submissions (3):

Labcorp Genetics (formerly Invitae), Labcorp
Classification: Likely benign for Multiple gastrointestinal atresias. Last evaluated: 2025-12-22. Review status: criteria provided, single submitter. Criteria: Invitae Variant Classification Sherloc (09022015). Collection method: clinical testing. Allele origin: germline.

Ambry Genetics
Classification: Likely benign for Inborn genetic diseases. Last evaluated: 2021-07-14. Review status: criteria provided, single submitter. Criteria: Ambry Variant Classification Scheme 2023. Collection method: clinical testing. Allele origin: germline.

PreventionGenetics, part of Exact Sciences
Classification: Likely benign for TTC7A-related condition. Last evaluated: 2023-08-09. Review status: no assertion criteria provided. Collection method: clinical testing. Allele origin: germline. Not counted in ClinVar's aggregate classification.
Comment: This variant is classified as likely benign based on ACMG/AMP sequence variant interpretation guidelines (Richards et al. 2015 PMID: 25741868, with internal and published modifications).

NM_020458.4(TTC7A):c.592A>G (p.Thr198Ala)

Genes: TTC7A (tetratricopeptide repeat domain 7A; plus strand), LOC126806211 (CDK7 strongly-dependent group 2 enhancer GRCh37_chr2:47201305-47202504; plus strand). Cytogenetic location: 2p21.
Variant type: single nucleotide variant.
Coding change: c.592A>G on transcript NM_020458.4 (MANE Select); coding-DNA position 592, A replaced by G.
Protein change: p.Thr198Ala; replaces threonine 198 with alanine.
Molecular consequence: missense variant. On other transcripts: 5 prime UTR variant (1).
Genome position (GRCh38, 1-based): chr2:46,975,047, A>G. VCF-style: chr2-46975047-A-G. GRCh37 (hg19) VCF-style: chr2-47202186-A-G.
Other names: c.592A>G, p.Thr198Ala (LRG_1323t1, NM_001288951.2); c.490A>G, p.Thr164Ala (NM_001288953.2); c.-313A>G (NM_001288955.2); c.592A>G (NM_020458.2); short protein forms T164A, T198A.
Identifiers: ClinVar variation 576901 (VCV000576901.11), dbSNP rs139708012, ClinGen allele CA1647264.
Genomic context (GRCh38, chr2:46,975,047, plus strand): 5'-CGCCTACCCAACTCCATCGCCTCCCGCTTCCGCCTGACAGAGAGGGAGGAGGAAGTGATC[A>G]CCTGTTTTGAGAGGGCCTCCTGGATCGCTCAGGTGTTCCTGCAGGAATTGGAGAAGGTGA-3'
Protein context (NP_065191.2, residues 188-208): RLTEREEEVI[Thr198Ala]CFERASWIAQ